The following is an entry in ClinVar:

ClinVar aggregate classification (germline): Uncertain significance (1 of 4 stars; one submission).

Conditions:
Tuberous sclerosis 2 (TSC2). Identifiers: Orphanet 805, MedGen C1860707, MONDO:0013199, OMIM 613254.

Submission:

Labcorp Genetics (formerly Invitae), Labcorp
Classification: Uncertain significance for Tuberous sclerosis 2. Last evaluated: 2021-10-27. Review status: criteria provided, single submitter. Criteria: Invitae Variant Classification Sherloc (09022015). Collection method: clinical testing. Allele origin: germline.
Comment: This sequence change replaces isoleucine, a(n) neutral and non-polar amino acid, with phenylalanine, a(n) neutral and non-polar amino acid, at codon 485 of the TSC2 protein (p.Ile485Phe). This variant is not present in population databases (gnomAD no frequency). This variant has not been reported in the literature in individuals affected with TSC2-related conditions. Advanced modeling of protein sequence and biophysical properties (such as structural, functional, and spatial information, amino acid conservation, physicochemical variation, residue mobility, and thermodynamic stability) performed at Invitae indicates that this missense variant is not expected to disrupt TSC2 protein function. In summary, the available evidence is currently insufficient to determine the role of this variant in disease. Therefore, it has been classified as a Variant of Uncertain Significance.

NM_000548.5(TSC2):c.1453A>T (p.Ile485Phe)

Gene: TSC2 (TSC complex subunit 2; plus strand). Cytogenetic location: 16p13.3.
Variant type: single nucleotide variant.
Coding change: c.1453A>T on transcript NM_000548.5 (MANE Select); coding-DNA position 1453, A replaced by T.
Protein change: p.Ile485Phe; replaces isoleucine 485 with phenylalanine.
Molecular consequence: missense variant.
Genome position (GRCh38, 1-based): chr16:2,064,281, A>T. VCF-style: chr16-2064281-A-T. GRCh37 (hg19) VCF-style: chr16-2114282-A-T.
Other names: c.1306A>T, p.Ile436Phe (NM_001318829.2); c.853A>T, p.Ile285Phe (NM_001318831.2); c.1486A>T, p.Ile496Phe (NM_001318832.2); c.1453A>T, p.Ile485Phe (NM_001363528.2, NM_001370404.1, NM_001370405.1 and 3 more transcripts); c.1342A>T, p.Ile448Phe (NM_001318827.2); short protein forms I285F, I436F, I485F, I448F, I496F.
Identifiers: ClinVar variation 1441338 (VCV001441338.6), dbSNP rs2151188401, ClinGen allele CA394325500.
Genomic context (GRCh38, chr16:2,064,281, plus strand): 5'-ATGTGGCCCTCGTTGGGCTGGCGCTCATTGGCCTCCCTTGTGCCTGTGCAGGAGGAGCTG[A>T]TTAACTCAGTGGTCATCTCGCAGCTCTCCCACATCCCCGAGGATAAAGACCACCAGGTCC-3'
Protein context (NP_000539.2, residues 475-495): INRQFYEEEL[Ile485Phe]NSVVISQLSH